The following is an entry in ClinVar:

NM_032444.4(SLX4):c.5102A>T (p.Glu1701Val)

Gene: SLX4 (SLX4 structure-specific endonuclease subunit; minus strand). Cytogenetic location: 16p13.3.
Variant type: single nucleotide variant.
Coding change: c.5102A>T on transcript NM_032444.4 (MANE Select); coding-DNA position 5102, A replaced by T.
Protein change: p.Glu1701Val; replaces glutamic acid 1701 with valine.
Molecular consequence: missense variant.
Genome position (GRCh38, 1-based): chr16:3,583,148, T>A on the plus strand (A>T on the coding strand, the complement: SLX4 is on the minus strand). VCF-style: chr16-3583148-T-A. GRCh37 (hg19) VCF-style: chr16-3633149-T-A.
Other names: short protein forms E1701V.
Identifiers: ClinVar variation 1359053 (VCV001359053.8), dbSNP rs2040461062, ClinGen allele CA394514558.
Genomic context (GRCh38, chr16:3,583,148, plus strand): 5'-TCCGGTTACCTCTGTGAGCTCAAGGAGCTGTCACTGCCATCCACAGAGGTGGCCACGGAT[T>A]CTTGAGAGGCTGGGATCTGGGCGTCATCATTGAGGCCTGGAGGTGCCTCCTTGGTGGGCG-3'
Protein context (NP_115820.2, residues 1691-1711): NDDAQIPASQ[Glu1701Val]SVATSVDGSD

ClinVar aggregate classification (germline): Uncertain significance (1 of 4 stars; one submission).

Conditions:
Fanconi anemia (FA). Also called: Fanconi's anemia. Identifiers: Orphanet 84, MedGen C0015625, MeSH D005199, MONDO:0019391.

gnomAD v4.1: 2 of 1,614,220 alleles (0.00012%); highest among the groups gnomAD compares: African/African-American, 0.0013%; no homozygotes.

Submission:

Labcorp Genetics (formerly Invitae), Labcorp
Classification: Uncertain significance for Fanconi anemia. Last evaluated: 2021-06-25. Review status: criteria provided, single submitter. Criteria: Invitae Variant Classification Sherloc (09022015). Collection method: clinical testing. Allele origin: germline.
Comment: This sequence change replaces glutamic acid with valine at codon 1701 of the SLX4 protein (p.Glu1701Val). The glutamic acid residue is highly conserved and there is a moderate physicochemical difference between glutamic acid and valine. This variant is not present in population databases (ExAC no frequency). This variant has not been reported in the literature in individuals with SLX4-related conditions. Algorithms developed to predict the effect of missense changes on protein structure and function are either unavailable or do not agree on the potential impact of this missense change (SIFT: "Deleterious"; PolyPhen-2: "Probably Damaging"; Align-GVGD: "Class C0"). Algorithms developed to predict the effect of sequence changes on RNA splicing suggest that this variant may create or strengthen a splice site, but this prediction has not been confirmed by published transcriptional studies. In summary, the available evidence is currently insufficient to determine the role of this variant in disease. Therefore, it has been classified as a Variant of Uncertain Significance.